The following is an entry in ClinVar:

ClinVar aggregate classification (germline): Uncertain significance (1 of 4 stars; one submission).

Conditions:
Cystic fibrosis (CF). Also called: MUCOVISCIDOSIS. Identifiers: Orphanet 586, MedGen C0010674, MONDO:0009061, OMIM 219700. Disease mechanism: loss of function.

Submission:

Ambry Genetics
Classification: Uncertain significance for Cystic fibrosis. Last evaluated: 2025-12-30. Review status: criteria provided, single submitter. Criteria: Ambry Variant Classification Scheme 2023. Collection method: clinical testing. Allele origin: germline.
Comment: The p.E1104Q variant (also known as c.3310G>C), located in coding exon 20 of the CFTR gene, results from a G to C substitution at nucleotide position 3310. The glutamic acid at codon 1104 is replaced by glutamine, an amino acid with highly similar properties. Functional studies suggest the current variant has similar maturation and transport rate as wildtype CFTR; however, additional evidence is needed to confirm these findings (Pranke I et al. ERJ Open Res, 2018 Jan;4:). This amino acid position is not well conserved in available vertebrate species. In addition, the in silico prediction for this alteration is inconclusive. Based on the available evidence, the clinical significance of this variant remains unclear.

Literature cited by the submitters: PubMed 29497617.

NM_000492.4(CFTR):c.3310G>C (p.Glu1104Gln)

Genes: CFTR (CF transmembrane conductance regulator; plus strand), CFTR-AS2 (CFTR antisense RNA 2; minus strand), LOC111674472 (DNase I hypersensitive sites in introns 16 and 17a of CFTR; plus strand). Cytogenetic location: 7q31.2.
Variant type: single nucleotide variant.
Coding change: c.3310G>C on transcript NM_000492.4 (MANE Select); coding-DNA position 3310, G replaced by C.
Protein change: p.Glu1104Gln; replaces glutamic acid 1104 with glutamine.
Molecular consequence: missense variant.
Genome position (GRCh38, 1-based): chr7:117,611,751, G>C. VCF-style: chr7-117611751-G-C. GRCh37 (hg19) VCF-style: chr7-117251805-G-C.
Other names: short protein forms E1104Q.
Identifiers: ClinVar variation 4843818 (VCV004843818.1).